The following is an entry in ClinVar:

NM_014712.3(SETD1A):c.2804G>A (p.Gly935Glu)

Gene: SETD1A (SET domain containing 1A, histone lysine methyltransferase; plus strand). Cytogenetic location: 16p11.2.
Variant type: single nucleotide variant.
Coding change: c.2804G>A on transcript NM_014712.3 (MANE Select); coding-DNA position 2804, G replaced by A.
Protein change: p.Gly935Glu; replaces glycine 935 with glutamic acid.
Molecular consequence: missense variant.
Genome position (GRCh38, 1-based): chr16:30,969,338, G>A. VCF-style: chr16-30969338-G-A. GRCh37 (hg19) VCF-style: chr16-30980659-G-A.
Other names: short protein forms G935E.
Identifiers: ClinVar variation 5000659 (VCV005000659.1).
Genomic context (GRCh38, chr16:30,969,338, plus strand): 5'-TCCCCAACTACCACTCTGCTGGCCTAGACCCTGAACAAGAGAAGGAGGCTGGAGAGCCAG[G>A]ACGTCCGGGGACCAAGCCCCCGAAGCGGGACGAAGAGCGAGGCAAGACCCAGGGCAAGCA-3'
Protein context (NP_055527.1, residues 925-945): PEQEKEAGEP[Gly935Glu]RPGTKPPKRD

ClinVar aggregate classification (germline): Uncertain significance (1 of 4 stars; one submission).

Conditions:
SETD1A-related disorder. Also called: SETD1A-related condition.

gnomAD v4.1: 3 of 1,614,188 alleles (0.00019%); highest among the groups gnomAD compares: Non-Finnish European, 0.00017%; no homozygotes.

Submission:

PreventionGenetics, part of Exact Sciences
Classification: Uncertain significance for SETD1A-related condition. Last evaluated: 2024-11-19. Review status: criteria provided, single submitter. Criteria: ACMG Guidelines, 2015. Collection method: clinical testing. Allele origin: germline.
Comment: The SETD1A c.2804G>A variant is predicted to result in the amino acid substitution p.Gly935Glu. To our knowledge, this variant has not been reported in the literature. This variant is reported in 0.0018% of alleles in individuals of European (Non-Finnish) descent in gnomAD. At this time, the clinical significance of this variant is uncertain due to the absence of conclusive functional and genetic evidence.